The following is an entry in ClinVar:

ClinVar aggregate classification (germline): Uncertain significance (1 of 4 stars; one submission).

Conditions:
Fanconi anemia (FA). Also called: Fanconi's anemia. Identifiers: Orphanet 84, MedGen C0015625, MeSH D005199, MONDO:0019391.

Submission:

Labcorp Genetics (formerly Invitae), Labcorp
Classification: Uncertain significance for Fanconi anemia. Last evaluated: 2023-09-10. Review status: criteria provided, single submitter. Criteria: Invitae Variant Classification Sherloc (09022015). Collection method: clinical testing. Allele origin: germline.
Comment: This sequence change replaces leucine, which is neutral and non-polar, with proline, which is neutral and non-polar, at codon 453 of the FANCC protein (p.Leu453Pro). In summary, the available evidence is currently insufficient to determine the role of this variant in disease. Therefore, it has been classified as a Variant of Uncertain Significance. Advanced modeling of protein sequence and biophysical properties (such as structural, functional, and spatial information, amino acid conservation, physicochemical variation, residue mobility, and thermodynamic stability) performed at Invitae indicates that this missense variant is expected to disrupt FANCC protein function. This variant has not been reported in the literature in individuals affected with FANCC-related conditions. This variant is not present in population databases (gnomAD no frequency).

NM_000136.3(FANCC):c.1358T>C (p.Leu453Pro)

Genes: AOPEP (aminopeptidase O (putative); plus strand), FANCC (FA complementation group C; minus strand). Cytogenetic location: 9q22.32.
Variant type: single nucleotide variant.
Coding change: c.1358T>C on transcript NM_000136.3 (MANE Select); coding-DNA position 1358, T replaced by C.
Protein change: p.Leu453Pro; replaces leucine 453 with proline.
Molecular consequence: missense variant.
Genome position (GRCh38, 1-based): chr9:95,107,241, A>G on the plus strand (T>C on the coding strand, the complement: FANCC is on the minus strand). VCF-style: chr9-95107241-A-G. GRCh37 (hg19) VCF-style: chr9-97869523-A-G.
Other names: c.1358T>C, p.Leu453Pro (NM_001243743.2); short protein forms L453P.
Identifiers: ClinVar variation 2759928 (VCV002759928.3), dbSNP rs1490551416, ClinGen allele CA374106239.